The following is an entry in ClinVar:

ClinVar aggregate classification (germline): Benign/Likely benign. Review status: criteria provided, multiple submitters, no conflicts (2 of 4 stars). 3 submissions from 3 submitters: Benign (2); Likely benign (1). Last evaluated 2026-02-02.

Allele frequency attached by ClinVar (database versions not stated): 1000 Genomes Project 30x 0.01093; 1000 Genomes Project 0.01098; TOPMed 0.01432; gnomAD 0.01462; ESP Exome Variant Server 0.01592; ExAC 0.01665; gnomAD exomes 0.02129.
gnomAD v4.1: 33,235 of 1,614,180 alleles (2.1%); highest among the groups gnomAD compares: Middle Eastern, 3.2%; 401 homozygotes.

Submissions (3):

Labcorp Genetics (formerly Invitae), Labcorp
Classification: Benign. Last evaluated: 2026-02-02. Review status: criteria provided, single submitter. Criteria: Invitae Variant Classification Sherloc (09022015). Collection method: clinical testing. Allele origin: germline.

Mayo Clinic Laboratories, Mayo Clinic
Classification: Benign. Last evaluated: 2025-09-16. Review status: criteria provided, single submitter. Criteria: ACMG Guidelines, 2015. Collection method: clinical testing. Allele origin: germline. Observed: 24 variant alleles.
Comment: BS1, BS2, BP4, BP7

Blueprint Genetics
Classification: Likely benign. Last evaluated: 2024-11-26. Review status: criteria provided, single submitter. Criteria: ACMG Guidelines, 2015. Collection method: clinical testing. Allele origin: germline.

NM_004991.4(MECOM):c.1275G>A (p.Arg425=)

Gene: MECOM (MDS1 and EVI1 complex locus; minus strand). Cytogenetic location: 3q26.2.
Variant type: single nucleotide variant.
Coding change: c.1275G>A on transcript NM_004991.4 (MANE Select); coding-DNA position 1275, G replaced by A.
Protein change: p.Arg425=; no amino-acid change (arginine 425 retained).
Molecular consequence: synonymous variant. On other transcripts: intron variant (2).
Genome position (GRCh38, 1-based): chr3:169,116,597, C>T on the plus strand (G>A on the coding strand, the complement: MECOM is on the minus strand). VCF-style: chr3-169116597-C-T. GRCh37 (hg19) VCF-style: chr3-168834385-C-T.
Other names: p.Arg237=; c.906G>A, p.Arg302= (NM_001105077.4); c.711G>A, p.Arg237= (NM_001105078.4, NM_001164000.2, NM_001205194.2 and 4 more transcripts); c.714G>A, p.Arg238= (NM_001163999.2, NM_001366467.2, NM_001366468.2 and 1 more transcripts); c.1275G>A, p.Arg425= (NM_001366466.2); c.1133-830G>A (NM_001366473.2); c.569-830G>A (NM_001366474.2).
Identifiers: ClinVar variation 2017586 (VCV002017586.6), dbSNP rs35594969, ClinGen allele CA2696369.